The following is an entry in ClinVar:

NM_144596.4(TTC8):c.579+44G>T

Gene: TTC8 (tetratricopeptide repeat domain 8; plus strand). Cytogenetic location: 14q31.3.
Variant type: single nucleotide variant.
Coding change: c.579+44G>T on transcript NM_144596.4 (MANE Select); 44 bases into the intron after coding-DNA position 579, G replaced by T.
Molecular consequence: intron variant. On other transcripts: splice donor variant (1).
Genome position (GRCh38, 1-based): chr14:88,841,558, G>T. VCF-style: chr14-88841558-G-T. GRCh37 (hg19) VCF-style: chr14-89307902-G-T.
Other names: c.30+1G>T (NM_001288782.1); c.549+44G>T (NM_001288781.1, NM_198309.3, NM_001366535.2); c.-199+362G>T (NM_001288783.1); c.459+362G>T (NM_198310.3, NM_001366536.2).
Identifiers: ClinVar variation 4981645 (VCV004981645.1).

ClinVar aggregate classification (germline): Uncertain significance (1 of 4 stars; one submission).

Conditions:
TTC8-related disorder. Also called: TTC8-related condition.

gnomAD v4.1: 24 of 1,441,772 alleles (0.0017%); highest among the groups gnomAD compares: Non-Finnish European, 0.0023%; no homozygotes.

Submission:

PreventionGenetics, part of Exact Sciences
Classification: Uncertain significance for TTC8-related condition. Last evaluated: 2025-12-11. Review status: criteria provided, single submitter. Criteria: ACMG Guidelines, 2015. Collection method: clinical testing. Allele origin: germline.
Comment: The TTC8 c.30+1G>T variant is predicted to disrupt the GT donor site and interfere with normal splicing. To our knowledge, this variant has not been reported in the literature. This variant is reported in 0.00089% of alleles in individuals of European (non-Finnish) descent in gnomAD. This variant is intronic in the most biologically relevant transcript (NM_198309: c.549+44G>T). Although we suspect that this variant may be pathogenic, at this time, the clinical significance of this variant is uncertain due to the absence of conclusive functional and genetic evidence.